The following is an entry in ClinVar:

NM_016284.5(CNOT1):c.6610A>G (p.Asn2204Asp)

Gene: CNOT1 (CCR4-NOT transcription complex subunit 1; minus strand). Cytogenetic location: 16q21.
Variant type: single nucleotide variant.
Coding change: c.6610A>G on transcript NM_016284.5 (MANE Select); coding-DNA position 6610, A replaced by G.
Protein change: p.Asn2204Asp; replaces asparagine 2204 with aspartic acid.
Molecular consequence: missense variant. On other transcripts: non-coding transcript variant (1).
Genome position (GRCh38, 1-based): chr16:58,525,353, T>C on the plus strand (A>G on the coding strand, the complement: CNOT1 is on the minus strand). VCF-style: chr16-58525353-T-C. GRCh37 (hg19) VCF-style: chr16-58559257-T-C.
Other names: c.6595A>G, p.Asn2199Asp (NM_001265612.2); short protein forms N2199D, N2204D.
Identifiers: ClinVar variation 3358781 (VCV003358781.1).

ClinVar aggregate classification (germline): Uncertain significance (0 of 4 stars; one submission).

Conditions:
CNOT1-related disorder. Also called: CNOT1-related condition.

gnomAD v4.1: 1 of 1,613,082 alleles (0.000062%); highest among the groups gnomAD compares: Non-Finnish European, 0.000085%; no homozygotes.

Submission:

PreventionGenetics, part of Exact Sciences
Classification: Uncertain significance for CNOT1-related condition. Last evaluated: 2024-07-19. Review status: no assertion criteria provided. Collection method: clinical testing. Allele origin: germline.
Comment: The CNOT1 c.6610A>G variant is predicted to result in the amino acid substitution p.Asn2204Asp. This variant is also known as c.6595A>G (p.Asn2199Asp) on NM_001265612.1. To our knowledge, this variant has not been reported in the literature or in a large population database, indicating this variant is rare. At this time, the clinical significance of this variant is uncertain due to the absence of conclusive functional and genetic evidence.